The following is an entry in ClinVar:

NM_001378454.1(ALMS1):c.179A>G (p.Tyr60Cys)

Gene: ALMS1 (ALMS1 centrosome and basal body associated protein; plus strand). Cytogenetic location: 2p13.1.
Variant type: single nucleotide variant.
Coding change: c.179A>G on transcript NM_001378454.1 (MANE Select); coding-DNA position 179, A replaced by G.
Protein change: p.Tyr60Cys; replaces tyrosine 60 with cysteine.
Molecular consequence: missense variant.
Genome position (GRCh38, 1-based): chr2:73,386,047, A>G. VCF-style: chr2-73386047-A-G. GRCh37 (hg19) VCF-style: chr2-73613175-A-G.
Other names: c.182A>G, p.Tyr61Cys (NM_015120.4); short protein forms Y60C, Y61C.
Identifiers: ClinVar variation 2662683 (VCV002662683.1), dbSNP rs2465971087, ClinGen allele CA347250771.

ClinVar aggregate classification (germline): Uncertain significance (1 of 4 stars; one submission).

gnomAD v4.1: 3 of 1,578,082 alleles (0.00019%); highest among the groups gnomAD compares: Non-Finnish European, 0.00017%; no homozygotes.

Submission:

GeneDx
Classification: Uncertain significance. Last evaluated: 2023-04-13. Review status: criteria provided, single submitter. Criteria: GeneDx Variant Classification Process June 2021. Collection method: clinical testing. Allele origin: germline. Affected: yes.
Comment: In silico analysis supports that this missense variant does not alter protein structure/function; Has not been previously published as pathogenic or benign to our knowledge